The following is an entry in ClinVar:

NM_003907.3(EIF2B5):c.1052G>A (p.Gly351Asp)

Gene: EIF2B5 (eukaryotic translation initiation factor 2B subunit epsilon; plus strand). Cytogenetic location: 3q27.1.
Variant type: single nucleotide variant.
Coding change: c.1052G>A on transcript NM_003907.3 (MANE Select); coding-DNA position 1052, G replaced by A.
Protein change: p.Gly351Asp; replaces glycine 351 with aspartic acid.
Molecular consequence: missense variant.
Genome position (GRCh38, 1-based): chr3:184,140,626, G>A. VCF-style: chr3-184140626-G-A. GRCh37 (hg19) VCF-style: chr3-183858414-G-A.
Other names: short protein forms G351D.
Identifiers: ClinVar variation 4853946 (VCV004853946.1).

ClinVar aggregate classification (germline): Uncertain significance (1 of 4 stars; one submission).

Conditions:
Leukoencephalopathy with vanishing white matter 5 (VWM5). Also called: Leukoencephalopathy with vanishing white matter 5, with or without ovarian failure; EIF2B5-Related Childhood Ataxia with Central Nervous System Hypomyelination/Vanishing White Matter. Identifiers: MedGen C5779973, MONDO:0957873, OMIM 620315.

Submission:

3billion
Classification: Uncertain significance for Leukoencephalopathy with vanishing white matter 5. Last evaluated: 2026-01-06. Review status: criteria provided, single submitter. Criteria: ACMG Guidelines, 2015. Collection method: clinical testing. Allele origin: germline. Affected: yes.
Comment: The variant is observed at an extremely low frequency in the gnomAD v4.1.0 dataset (total allele frequency: <0.001%). Predicted Consequence/Location: Missense variant Damaging effect on gene or gene product predicted by in silico programs is uncertain [REVEL: 0.59 (damaging >=0.6, benign <0.4), 3Cnet: 0.37 (damaging >0.75, benign <0.1)]. Therefore, this variant is classified as VUS according to the recommendation of ACMG/AMP guideline.